The following is an entry in ClinVar:

ClinVar aggregate classification (germline): Likely benign. Review status: criteria provided, multiple submitters, no conflicts (2 of 4 stars). 2 submissions from 2 submitters: Likely benign (2). Last evaluated 2025-02-11.

Conditions:
LAMA3-related disorder. Also called: LAMA3-related condition; LAMA3-related disorders.

Allele frequency attached by ClinVar (database versions not stated): gnomAD exomes 0.00001 and 0.00003; ExAC 0.00002; gnomAD 0.00003; TOPMed 0.00005; ESP Exome Variant Server 0.00015.
gnomAD v4.1: 42 of 1,613,712 alleles (0.0026%); highest among the groups gnomAD compares: Non-Finnish European, 0.0036%; no homozygotes.

Submissions (2):

PreventionGenetics, part of Exact Sciences
Classification: Likely benign for LAMA3-related condition. Last evaluated: 2025-02-11. Review status: criteria provided, single submitter. Criteria: ACMG Guidelines, 2015. Collection method: clinical testing. Allele origin: germline.
Comment: This variant is classified as likely benign based on ACMG/AMP sequence variant interpretation guidelines (Richards et al. 2015 PMID: 25741868, with internal and published modifications).

Labcorp Genetics (formerly Invitae), Labcorp
Classification: Likely benign. Last evaluated: 2024-01-16. Review status: criteria provided, single submitter. Criteria: Invitae Variant Classification Sherloc (09022015). Collection method: clinical testing. Allele origin: germline.

NM_198129.4(LAMA3):c.6549C>T (p.Leu2183=)

Gene: LAMA3 (laminin subunit alpha 3; plus strand). Cytogenetic location: 18q11.2.
Variant type: single nucleotide variant.
Coding change: c.6549C>T on transcript NM_198129.4 (MANE Select); coding-DNA position 6549, C replaced by T.
Protein change: p.Leu2183=; no amino-acid change (leucine 2183 retained).
Molecular consequence: synonymous variant.
Genome position (GRCh38, 1-based): chr18:23,904,628, C>T. VCF-style: chr18-23904628-C-T. GRCh37 (hg19) VCF-style: chr18-21484592-C-T.
Other names: c.1722C>T, p.Leu574= (NM_000227.6); c.6381C>T, p.Leu2127= (NM_001127717.4); c.1554C>T, p.Leu518= (NM_001127718.4); c.1722C>T (NM_000227.4).
Identifiers: ClinVar variation 1106125 (VCV001106125.11), dbSNP rs147912032, ClinGen allele CA8916415.